The following is an entry in ClinVar:

NM_000334.4(SCN4A):c.5128C>T (p.Pro1710Ser)

Genes: GH-LCR (growth hormone locus control region; plus strand), SCN4A (sodium voltage-gated channel alpha subunit 4; minus strand). Cytogenetic location: 17q23.3.
Variant type: single nucleotide variant.
Coding change: c.5128C>T on transcript NM_000334.4 (MANE Select); coding-DNA position 5128, C replaced by T.
Protein change: p.Pro1710Ser; replaces proline 1710 with serine.
Molecular consequence: missense variant.
Genome position (GRCh38, 1-based): chr17:63,941,154, G>A on the plus strand (C>T on the coding strand, the complement: SCN4A is on the minus strand). VCF-style: chr17-63941154-G-A. GRCh37 (hg19) VCF-style: chr17-62018514-G-A.
Other names: short protein forms P1710S.
Identifiers: ClinVar variation 1450289 (VCV001450289.7), dbSNP rs762735966, ClinGen allele CA8708833.

ClinVar aggregate classification (germline): Uncertain significance. Review status: criteria provided, multiple submitters, no conflicts (2 of 4 stars). 2 submissions from 2 submitters: Uncertain significance (2). Last evaluated 2026-01-12.

Conditions:
Paramyotonia congenita of Von Eulenburg. Also called: PARALYSIS PERIODICA PARAMYOTONICA; Paramyotonia Congenita; Eulenburg disease; Myotonia congenita intermittens; Von Eulenburg paramyotonia congenita. Identifiers: Orphanet 684, MedGen C0221055, MONDO:0008195, OMIM 168300. Disease mechanism: loss of function.
Congenital myopathy 22A, classic (CMYO22A). Identifiers: MedGen C5830453, MONDO:0957247, OMIM 620351.
Congenital myopathy 22B, severe fetal (CMYO22B). Identifiers: MedGen C5830501, MONDO:0957265, OMIM 620369.
Hypokalemic periodic paralysis, type 2 (HOKPP2). Identifiers: Orphanet 681, MedGen C2750061, MONDO:0013234, OMIM 613345.
Potassium-aggravated myotonia. Also called: MYOTONIA CONGENITA, ACETAZOLAMIDE-RESPONSIVE; MYOTONIA CONGENITA, ATYPICAL; SODIUM CHANNEL MUSCLE DISEASE; Myotonia congenita, atypical, acetazolamide-responsive. Identifiers: Orphanet 612, Orphanet 99734, Orphanet 99735, Orphanet 99736, MedGen C2931826, MONDO:0018959, OMIM 608390.
Congenital myasthenic syndrome 16. Identifiers: Orphanet 590, MedGen C3280112, MONDO:0013620, OMIM 614198.
Hyperkalemic periodic paralysis. Also called: Familial hyperkalemic periodic paralysis; Gamstorp disease. Identifiers: Orphanet 682, MedGen C0238357, MONDO:0008224, OMIM 170500, HP:0007215.

Allele frequency attached by ClinVar (database versions not stated): gnomAD exomes 0.00003 and 0.00006; ExAC 0.00001.
gnomAD v4.1: 17 of 1,613,888 alleles (0.0011%); highest among the groups gnomAD compares: Admixed American, 0.028%; no homozygotes.

Submissions (2):

Labcorp Genetics (formerly Invitae), Labcorp
Classification: Uncertain significance for Hyperkalemic periodic paralysis. Last evaluated: 2026-01-12. Review status: criteria provided, single submitter. Criteria: Invitae Variant Classification Sherloc (09022015). Collection method: clinical testing. Allele origin: germline.
Comment: This sequence change replaces proline, which is neutral and non-polar, with serine, which is neutral and polar, at codon 1710 of the SCN4A protein (p.Pro1710Ser). This variant is present in population databases (rs762735966, gnomAD 0.04%). This variant has not been reported in the literature in individuals affected with SCN4A-related conditions. ClinVar contains an entry for this variant (Variation ID: 1450289). Invitae Evidence Modeling of protein sequence and biophysical properties (such as structural, functional, and spatial information, amino acid conservation, physicochemical variation, residue mobility, and thermodynamic stability) has been performed for this missense variant. However, the output from this modeling did not meet the statistical confidence thresholds required to predict the impact of this variant on SCN4A protein function. In summary, the available evidence is currently insufficient to determine the role of this variant in disease. Therefore, it has been classified as a Variant of Uncertain Significance.

Fulgent Genetics
Classification: Uncertain significance for Paramyotonia congenita of Von Eulenburg; Hyperkalemic periodic paralysis; Potassium-aggravated myotonia; Hypokalemic periodic paralysis, type 2; Congenital myasthenic syndrome 16; Congenital myopathy 22A, classic; Congenital myopathy 22B, severe fetal. Last evaluated: 2024-03-29. Review status: criteria provided, single submitter. Criteria: ACMG Guidelines, 2015. Collection method: clinical testing. Allele origin: germline.